The following is an entry in ClinVar:

NM_144997.7(FLCN):c.874_886del (p.Leu292fs)

Gene: FLCN (folliculin; minus strand). Cytogenetic location: 17p11.2.
Variant type: Deletion.
Coding change: c.874_886del on transcript NM_144997.7 (MANE Select); coding-DNA positions 874 to 886, 13 bases deleted (TTAGAAGAGGAAT).
Protein change: p.Leu292fs; shifts the reading frame from leucine 292.
Molecular consequence: frameshift variant.
Genome position (GRCh38, 1-based): chr17:17,219,195-17,219,207, ATTCCTCTTCTAA deleted on the plus strand (TTAGAAGAGGAAT on the coding strand, the reverse complement: FLCN is on the minus strand); deleting any 13 consecutive bases within chr17:17,219,195-17,219,209 gives the same sequence; the c. name uses the placement nearest the transcript's 3' end. VCF-style (leftmost placement, unchanged base first): chr17-17219194-GATTCCTCTTCTAA-G. GRCh37 (hg19) VCF-style: chr17-17122508-GATTCCTCTTCTAA-G.
Other names: c.928_940del, p.Leu310fs (NM_001353229.2); c.874_886del, p.Leu292fs (NM_001353230.2, NM_001353231.2); short protein forms L292fs, L310fs.
Identifiers: ClinVar variation 3572325 (VCV003572325.1).

ClinVar aggregate classification (germline): Pathogenic (1 of 4 stars; one submission).

Submission:

Quest Diagnostics Nichols Institute San Juan Capistrano
Classification: Pathogenic. Last evaluated: 2024-11-07. Review status: criteria provided, single submitter. Criteria: Quest Diagnostics criteria. Collection method: clinical testing. Allele origin: unknown.
Comment: The FLCN c.874_886del (p.Leu292Glnfs*27) variant alters the translational reading frame of the FLCN mRNA and causes the premature termination of FLCN protein synthesis. This variant has not been reported in the published literature. This variant has not been reported in large, multi-ethnic general populations (Genome Aggregation Database). Based on the available information, this variant is classified as pathogenic.